The following is an entry in ClinVar:

ClinVar aggregate classification (germline): Uncertain significance (1 of 4 stars; one submission).

Conditions:
Congenital factor V deficiency. Also called: LABILE FACTOR DEFICIENCY; OWREN PARAHEMOPHILIA; PARAHEMOPHILIA; Hereditary factor V deficiency disease. Identifiers: Orphanet 326, MedGen C0015499, MONDO:0009210, OMIM 227400.

gnomAD v4.1: 1 of 1,613,984 alleles (0.000062%); highest among the groups gnomAD compares: Non-Finnish European, 0.000085%; no homozygotes.

Submission:

Labcorp Genetics (formerly Invitae), Labcorp
Classification: Uncertain significance for Congenital factor V deficiency. Last evaluated: 2025-12-06. Review status: criteria provided, single submitter. Criteria: Invitae Variant Classification Sherloc (09022015). Collection method: clinical testing. Allele origin: germline.
Comment: This sequence change replaces proline, which is neutral and non-polar, with serine, which is neutral and polar, at codon 698 of the F5 protein (p.Pro698Ser). This variant is present in population databases (rs754443863, gnomAD 0.0009%). This variant has not been reported in the literature in individuals affected with F5-related conditions. Invitae Evidence Modeling of protein sequence and biophysical properties (such as structural, functional, and spatial information, amino acid conservation, physicochemical variation, residue mobility, and thermodynamic stability) indicates that this missense variant is not expected to disrupt F5 protein function with a negative predictive value of 80%. In summary, the available evidence is currently insufficient to determine the role of this variant in disease. Therefore, it has been classified as a Variant of Uncertain Significance.

NM_000130.5(F5):c.2092C>T (p.Pro698Ser)

Gene: F5 (coagulation factor V; minus strand). Cytogenetic location: 1q24.2.
Variant type: single nucleotide variant.
Coding change: c.2092C>T on transcript NM_000130.5 (MANE Select); coding-DNA position 2092, C replaced by T.
Protein change: p.Pro698Ser; replaces proline 698 with serine.
Molecular consequence: missense variant.
Genome position (GRCh38, 1-based): chr1:169,542,998, G>A on the plus strand (C>T on the coding strand, the complement: F5 is on the minus strand). VCF-style: chr1-169542998-G-A. GRCh37 (hg19) VCF-style: chr1-169512236-G-A.
Other names: short protein forms P698S.
Identifiers: ClinVar variation 4690911 (VCV004690911.1).